The following is an entry in ClinVar:

ClinVar aggregate classification (germline): Uncertain significance (1 of 4 stars; one submission).

gnomAD v4.1: 1 of 1,613,134 alleles (0.000062%); highest among the groups gnomAD compares: East Asian, 0.0022%; no homozygotes.

Submission:

GeneDx
Classification: Uncertain significance. Last evaluated: 2019-08-23. Review status: criteria provided, single submitter. Criteria: GeneDx Variant Classification Process June 2021. Collection method: clinical testing. Allele origin: germline. Affected: yes.
Comment: Not observed in large population cohorts (Lek et al., 2016); In silico analysis, which includes protein predictors and evolutionary conservation, supports a deleterious effect; Has not been previously published as pathogenic or benign to our knowledge

NM_052867.4(NALCN):c.3229C>T (p.Pro1077Ser)

Gene: NALCN (sodium leak channel, non-selective; minus strand). Cytogenetic location: 13q32.3.
Variant type: single nucleotide variant.
Coding change: c.3229C>T on transcript NM_052867.4 (MANE Select); coding-DNA position 3229, C replaced by T.
Protein change: p.Pro1077Ser; replaces proline 1077 with serine.
Molecular consequence: missense variant.
Genome position (GRCh38, 1-based): chr13:101,095,614, G>A on the plus strand (C>T on the coding strand, the complement: NALCN is on the minus strand). VCF-style: chr13-101095614-G-A. GRCh37 (hg19) VCF-style: chr13-101747965-G-A.
Other names: c.3316C>T, p.Pro1106Ser (NM_001350748.2); c.3229C>T, p.Pro1077Ser (NM_001350749.2); c.3142C>T, p.Pro1048Ser (NM_001350750.2, NM_001350751.2); short protein forms P1048S, P1077S, P1106S.
Identifiers: ClinVar variation 1308056 (VCV001308056.2), dbSNP rs764421663, ClinGen allele CA388653435.